The following is an entry in ClinVar:

NM_005445.4(SMC3):c.1509+5G>C

Gene: SMC3 (structural maintenance of chromosomes 3; plus strand). Cytogenetic location: 10q25.2.
Variant type: single nucleotide variant.
Coding change: c.1509+5G>C on transcript NM_005445.4 (MANE Select); 5 bases into the intron after coding-DNA position 1509, G replaced by C.
Molecular consequence: intron variant.
Genome position (GRCh38, 1-based): chr10:110,589,996, G>C. VCF-style: chr10-110589996-G-C. GRCh37 (hg19) VCF-style: chr10-112349754-G-C.
Identifiers: ClinVar variation 2785816 (VCV002785816.3), dbSNP rs745960768, ClinGen allele CA5687977.

ClinVar aggregate classification (germline): Uncertain significance (1 of 4 stars; one submission).

Conditions:
Cornelia de Lange syndrome 3 (CDLS3). Also called: SMC3-Related Cornelia de Lange Syndrome; CORNELIA DE LANGE SYNDROME 3 WITH OR WITHOUT MIDLINE BRAIN DEFECTS. Identifiers: Orphanet 199, MedGen C1853099, MONDO:0012555, OMIM 610759.

Allele frequency attached by ClinVar (database versions not stated): gnomAD exomes below 0.00001; ExAC 0.00002.
gnomAD v4.1: 4 of 1,612,962 alleles (0.00025%); highest among the groups gnomAD compares: Admixed American, 0.005%; no homozygotes.

Submission:

Labcorp Genetics (formerly Invitae), Labcorp
Classification: Uncertain significance for Cornelia de Lange syndrome 3. Last evaluated: 2023-11-20. Review status: criteria provided, single submitter. Criteria: Invitae Variant Classification Sherloc (09022015). Collection method: clinical testing. Allele origin: germline.
Comment: This sequence change falls in intron 15 of the SMC3 gene. It does not directly change the encoded amino acid sequence of the SMC3 protein. It affects a nucleotide within the consensus splice site. This variant is present in population databases (rs745960768, gnomAD 0.006%). This variant has not been reported in the literature in individuals affected with SMC3-related conditions. Variants that disrupt the consensus splice site are a relatively common cause of aberrant splicing (PMID: 17576681, 9536098). Algorithms developed to predict the effect of sequence changes on RNA splicing suggest that this variant may disrupt the consensus splice site. In summary, the available evidence is currently insufficient to determine the role of this variant in disease. Therefore, it has been classified as a Variant of Uncertain Significance.

Literature cited by the submitters: PubMed 17576681; PubMed 9536098.